The following is an entry in ClinVar:

ClinVar aggregate classification (germline): Uncertain significance (1 of 4 stars; one submission).

Submission:

GeneDx
Classification: Uncertain significance. Last evaluated: 2019-06-17. Review status: criteria provided, single submitter. Criteria: GeneDx Variant Classification Process June 2021. Collection method: clinical testing. Allele origin: germline. Affected: yes.
Comment: Not observed in large population cohorts (Lek et al., 2016); In silico analysis, which includes protein predictors and evolutionary conservation, supports that this variant does not alter protein structure/function; Has not been previously published as pathogenic or benign to our knowledge

NM_014233.4(UBTF):c.81G>A (p.Met27Ile)

Genes: UBTF (upstream binding transcription factor; minus strand), ATXN7L3-AS1 (ATXN7L3 antisense RNA 1; plus strand). Cytogenetic location: 17q21.31.
Variant type: single nucleotide variant.
Coding change: c.81G>A on transcript NM_014233.4 (MANE Select); coding-DNA position 81, G replaced by A.
Protein change: p.Met27Ile; replaces methionine 27 with isoleucine.
Molecular consequence: missense variant. On other transcripts: non-coding transcript variant (1).
Genome position (GRCh38, 1-based): chr17:44,216,682, C>T on the plus strand (G>A on the coding strand, the complement: UBTF is on the minus strand). VCF-style: chr17-44216682-C-T. GRCh37 (hg19) VCF-style: chr17-42294050-C-T.
Other names: c.81G>A, p.Met27Ile (NM_001076683.2, NM_001076684.3); short protein forms M27I.
Identifiers: ClinVar variation 1306209 (VCV001306209.2), dbSNP rs2144552424, ClinGen allele CA399770728.